The following is an entry in ClinVar:

NM_000535.7(PMS2):c.904-17_904-15del

Gene: PMS2 (PMS1 homolog 2, mismatch repair system component; minus strand). Cytogenetic location: 7p22.1.
Variant type: Deletion.
Coding change: c.904-17_904-15del on transcript NM_000535.7 (MANE Select); 17 bases into the intron before coding-DNA position 904 through 15 bases into the intron before coding-DNA position 904, 3 bases deleted (CCT; older notation c.904-17_904-15delCCT).
Molecular consequence: intron variant.
Genome position (GRCh38, 1-based): chr7:5,992,072-5,992,074, AGG deleted on the plus strand (CCT on the coding strand, the reverse complement: PMS2 is on the minus strand); deleting any 3 consecutive bases within chr7:5,992,072-5,992,076 gives the same sequence; the c. name uses the placement nearest the transcript's 3' end. VCF-style (leftmost placement, unchanged base first): chr7-5992071-AAGG-A. GRCh37 (hg19) VCF-style: chr7-6031702-AAGG-A.
Other names: c.586-17_586-15del (NM_001322008.2, NM_001322007.2); c.499-17_499-15del (NM_001322010.2, NM_001322004.2, NM_001322003.2 and 2 more transcripts); c.331-17_331-15del (NM_001322013.2); c.-30-17_-30-15del (NM_001322012.2, NM_001322011.2); c.595-17_595-15del (NM_001322015.2); c.904-17_904-15del (NM_001322006.2, NM_001322014.2); c.904-17_904-15delCCT (NM_000535.5, NM_000535.6).
Identifiers: ClinVar variation 418415 (VCV000418415.14), dbSNP rs749482906, ClinGen allele CA052353.
Genomic context (GRCh38, chr7:5,992,071, plus strand): 5'-TGGTGTCGATTATACATGTGGTAGACCTCATTCACGAGTCTGCAGACCTGCACAAAATAC[AAGG>A]AGTAGAAAAGAATAAATGACAAATGTTCCCAGCCCCCCGCATTCTAACAACATTCTATTC-3'

ClinVar aggregate classification (germline): Likely benign. Review status: criteria provided, multiple submitters, no conflicts (2 of 4 stars). 6 submissions from 6 submitters: Likely benign (6). Last evaluated 2025-09-14.

Conditions:
Hereditary nonpolyposis colorectal neoplasms. Identifiers: MedGen C0009405, MeSH D003123.
Hereditary cancer-predisposing syndrome. Also called: Tumor predisposition; Hereditary Cancer Syndrome; Hereditary neoplastic syndrome; Neoplastic Syndromes, Hereditary. Identifiers: Orphanet 140162, MedGen C0027672, MeSH D009386, MONDO:0015356.
Lynch syndrome. Identifiers: Orphanet 144, MedGen C4552100, MONDO:0005835. Disease mechanism: loss of function.
Lynch syndrome 4 (LYNCH4). Also called: Hereditary non-polyposis colorectal cancer, type 4; Colorectal cancer, hereditary nonpolyposis, type 4. Identifiers: Orphanet 144, MedGen C1838333, MONDO:0013699, OMIM 614337. Disease mechanism: loss of function.

Submissions (6):

Labcorp Genetics (formerly Invitae), Labcorp
Classification: Likely benign for Hereditary nonpolyposis colorectal neoplasms. Last evaluated: 2025-09-14. Review status: criteria provided, single submitter. Criteria: Invitae Variant Classification Sherloc (09022015). Collection method: clinical testing. Allele origin: germline.

Myriad Genetics, Inc.
Classification: Likely benign for Lynch syndrome 4. Last evaluated: 2025-01-29. Review status: criteria provided, single submitter. Criteria: Myriad Autosomal Dominant, Autosomal Recessive and X-Linked Classification Criteria (2023). Collection method: clinical testing. Allele origin: unknown.
Comment: This variant is considered likely benign. This variant is intronic and is not expected to impact mRNA splicing.

All of Us Research Program, National Institutes of Health
Classification: Likely benign for Lynch syndrome. Last evaluated: 2023-11-20. Review status: criteria provided, single submitter. Criteria: ACMG Guidelines, 2015. Collection method: clinical testing. Allele origin: germline. Inheritance: Autosomal dominant inheritance. Observed: 1 variant allele, 1 heterozygote.
Comment: This study involves interpretation of variants in research participants for the purpose of population health screening. Participant phenotype was not available at the time of variant classification. Additional details can be found in publication PMID: 35346344, PMCID: PMC8962531

Blueprint Genetics
Classification: Likely benign. Last evaluated: 2022-10-05. Review status: criteria provided, single submitter. Criteria: ACMG Guidelines, 2015. Collection method: clinical testing. Allele origin: germline.

GeneDx
Classification: Likely benign. Last evaluated: 2017-07-10. Review status: criteria provided, single submitter. Criteria: GeneDx Variant Classification (06012015). Collection method: clinical testing. Allele origin: germline. Affected: yes.
Comment: This variant is considered likely benign or benign based on one or more of the following criteria: it is a conservative change, it occurs at a poorly conserved position in the protein, it is predicted to be benign by multiple in silico algorithms, and/or has population frequency not consistent with disease.

Color Diagnostics, LLC DBA Color Health
Classification: Likely benign for Hereditary cancer-predisposing syndrome. Last evaluated: 2016-11-12. Review status: criteria provided, single submitter. Criteria: ACMG Guidelines, 2015. Collection method: clinical testing. Allele origin: germline.